The following is an entry in ClinVar:

ClinVar aggregate classification (germline): Uncertain significance (1 of 4 stars; one submission).

Allele frequency attached by ClinVar (database versions not stated): gnomAD exomes below 0.00001.

Submission:

Labcorp Genetics (formerly Invitae), Labcorp
Classification: Uncertain significance. Last evaluated: 2025-08-18. Review status: criteria provided, single submitter. Criteria: Invitae Variant Classification Sherloc (09022015). Collection method: clinical testing. Allele origin: germline.
Comment: This sequence change replaces leucine, which is neutral and non-polar, with proline, which is neutral and non-polar, at codon 82 of the GUCA1B protein (p.Leu82Pro). This variant is not present in population databases (gnomAD no frequency). This variant has not been reported in the literature in individuals affected with GUCA1B-related conditions. ClinVar contains an entry for this variant (Variation ID: 861098). An algorithm developed to predict the effect of missense changes on protein structure and function (PolyPhen-2) suggests that this variant is likely to be disruptive. In summary, the available evidence is currently insufficient to determine the role of this variant in disease. Therefore, it has been classified as a Variant of Uncertain Significance.

NM_002098.6(GUCA1B):c.245T>C (p.Leu82Pro)

Gene: GUCA1B (guanylate cyclase activator 1B; minus strand). Cytogenetic location: 6p21.1.
Variant type: single nucleotide variant.
Coding change: c.245T>C on transcript NM_002098.6 (MANE Select); coding-DNA position 245, T replaced by C.
Protein change: p.Leu82Pro; replaces leucine 82 with proline.
Molecular consequence: missense variant.
Genome position (GRCh38, 1-based): chr6:42,188,694, A>G on the plus strand (T>C on the coding strand, the complement: GUCA1B is on the minus strand). VCF-style: chr6-42188694-A-G. GRCh37 (hg19) VCF-style: chr6-42156432-A-G.
Other names: short protein forms L82P.
Identifiers: ClinVar variation 861098 (VCV000861098.9), dbSNP rs1768240381, ClinGen allele CA364113116.